The following is an entry in ClinVar:

ClinVar aggregate classification (germline): Uncertain significance. Review status: criteria provided, multiple submitters, no conflicts (2 of 4 stars). 8 submissions from 8 submitters: Uncertain significance (7). 1 of the submissions does not count toward it. Last evaluated 2026-02-17.

Conditions:
Histiocytic medullary reticulosis. Also called: SEVERE COMBINED IMMUNODEFICIENCY WITH HYPEREOSINOPHILIA; Omenn syndrome. Identifiers: Orphanet 39041, MedGen C2700553, MONDO:0011338, OMIM 603554.
Athabaskan severe combined immunodeficiency (SCIDA). Also called: Severe combined immunodeficiency, athabascan-type. Identifiers: MedGen C1865370.
Severe combined immunodeficiency due to DCLRE1C deficiency (RS-SCID). Also called: SCID, AUTOSOMAL RECESSIVE, T CELL-NEGATIVE, B CELL-NEGATIVE, NK CELL-POSITIVE, WITH SENSITIVITY TO IONIZING RADIATION. Identifiers: Orphanet 275, MedGen C1865371, MONDO:0011225, OMIM 602450.

Allele frequency attached by ClinVar (database versions not stated): gnomAD 0.00069 and 0.00071; gnomAD exomes 0.00067 and 0.00123; ESP Exome Variant Server 0.00069; 1000 Genomes Project 30x 0.00078; 1000 Genomes Project 0.00040; TOPMed 0.00066; ExAC 0.00094.
gnomAD v4.1: 1,872 of 1,613,718 alleles (0.12%); highest among the groups gnomAD compares: Non-Finnish European, 0.15%; 3 homozygotes.

Submissions (8):

Women's Health and Genetics/Laboratory Corporation of America, LabCorp
Classification: Uncertain significance. Last evaluated: 2026-02-17. Review status: criteria provided, single submitter. Criteria: LabCorp Variant Classification Summary - May 2015. Collection method: clinical testing. Allele origin: germline.
Comment: Variant summary: DCLRE1C c.985T>A (p.Leu329Met) results in a conservative amino acid change located in the DNA repair metallo-beta-lactamase domain (IPR011084) of the encoded protein sequence. Algorithms developed to predict the effect of missense changes on protein structure and function are either unavailable or do not agree on the potential impact of this missense change. The variant allele was found at a frequency of 0.00067 in 251182 control chromosomes, predominantly at a frequency of 0.0014 within the Non-Finnish European subpopulation in the gnomAD database. The observed variant frequency within Non-Finnish European control individuals in the gnomAD database exceeds the estimated maximal expected allele frequency for disease-causing variants in DCLRE1C. c.985T>A has been observed in individual(s) affected with clinical features of Severe Combined Immunodeficiency without strong evidence for causality (example, Hargreave_2021, van Schouwenburg_2015). These report(s) do not provide unequivocal conclusions about association of the variant with Severe Combined Immunodeficiency. To our knowledge, no experimental evidence demonstrating an impact on protein function has been reported. The following publications have been ascertained in the context of this evaluation (PMID: 26122175, 34009545). ClinVar contains an entry for this variant (Variation ID: 299316). Based on the evidence outlined above, the variant was classified as VUS-possibly benign.

Mayo Clinic Laboratories, Mayo Clinic
Classification: Uncertain significance. Last evaluated: 2025-12-02. Review status: criteria provided, single submitter. Criteria: ACMG Guidelines, 2015. Collection method: clinical testing. Allele origin: germline. Observed: 2 variant alleles.
Comment: BS1, BP4_moderate, BP6

Labcorp Genetics (formerly Invitae), Labcorp
Classification: Uncertain significance for Athabaskan severe combined immunodeficiency. Last evaluated: 2025-01-13. Review status: criteria provided, single submitter. Criteria: Invitae Variant Classification Sherloc (09022015). Collection method: clinical testing. Allele origin: germline.
Comment: This sequence change replaces leucine, which is neutral and non-polar, with methionine, which is neutral and non-polar, at codon 329 of the DCLRE1C protein (p.Leu329Met). This variant is present in population databases (rs41299658, gnomAD 0.1%), and has an allele count higher than expected for a pathogenic variant. This missense change has been observed in individual(s) with common variable immunodeficiency (CVID) (PMID: 26122175). ClinVar contains an entry for this variant (Variation ID: 299316). Invitae Evidence Modeling of protein sequence and biophysical properties (such as structural, functional, and spatial information, amino acid conservation, physicochemical variation, residue mobility, and thermodynamic stability) indicates that this missense variant is not expected to disrupt DCLRE1C protein function with a negative predictive value of 80%. In summary, the available evidence is currently insufficient to determine the role of this variant in disease. Therefore, it has been classified as a Variant of Uncertain Significance.

Blueprint Genetics
Classification: Uncertain significance. Last evaluated: 2024-11-06. Review status: criteria provided, single submitter. Criteria: ACMG Guidelines, 2015. Collection method: clinical testing. Allele origin: germline.

Fulgent Genetics
Classification: Uncertain significance for Severe combined immunodeficiency due to DCLRE1C deficiency; Histiocytic medullary reticulosis. Last evaluated: 2022-03-17. Review status: criteria provided, single submitter. Criteria: ACMG Guidelines, 2015. Collection method: clinical testing. Allele origin: unknown.

GeneDx
Classification: Uncertain significance. Last evaluated: 2021-06-23. Review status: criteria provided, single submitter. Criteria: GeneDx Variant Classification Process June 2021. Collection method: clinical testing. Allele origin: germline. Affected: yes.
Comment: In silico analysis, which includes protein predictors and evolutionary conservation, supports that this variant does not alter protein structure/function; Identified in a patient with common variable immunodeficiency in published literature (van Schouwenburg et al., 2015); however a second DCLRE1C variant was not identified; This variant is associated with the following publications: (PMID: 26122175)

Illumina Laboratory Services, Illumina
Classification: Uncertain significance for Histiocytic medullary reticulosis. Last evaluated: 2018-01-13. Review status: criteria provided, single submitter. Criteria: ICSL Variant Classification Criteria 13 December 2019. Collection method: clinical testing. Allele origin: germline.

Natera, Inc.
Classification: Uncertain significance for Athabascan severe combined immunodeficiency. Last evaluated: 2020-08-04. Review status: no assertion criteria provided. Collection method: clinical testing. Allele origin: germline. Not counted in ClinVar's aggregate classification.

Literature cited by the submitters: PubMed 26122175 (cited by 3 submitters); PubMed 34009545 (cited by Women's Health and Genetics/Laboratory Corporation of America, LabCorp and Mayo Clinic Laboratories, Mayo Clinic).

NM_001033855.3(DCLRE1C):c.985T>A (p.Leu329Met)

Gene: DCLRE1C (DNA cross-link repair 1C; minus strand). Cytogenetic location: 10p13.
Variant type: single nucleotide variant.
Coding change: c.985T>A on transcript NM_001033855.3 (MANE Select); coding-DNA position 985, T replaced by A.
Protein change: p.Leu329Met; replaces leucine 329 with methionine.
Molecular consequence: missense variant. On other transcripts: non-coding transcript variant (4).
Genome position (GRCh38, 1-based): chr10:14,923,057, A>T on the plus strand (T>A on the coding strand, the complement: DCLRE1C is on the minus strand). VCF-style: chr10-14923057-A-T. GRCh37 (hg19) VCF-style: chr10-14965056-A-T.
Other names: c.625T>A, p.Leu209Met (NM_001033857.3, NM_001033858.3, NM_001289077.2 and 2 more transcripts); c.640T>A, p.Leu214Met (NM_001289076.2, NM_001289078.2, NM_001350966.2 and 1 more transcripts); c.985T>A, p.Leu329Met (NM_001350965.2); short protein forms L329M, L214M, L209M.
Identifiers: ClinVar variation 299316 (VCV000299316.17), dbSNP rs41299658, ClinGen allele CA5416587.
Genomic context (GRCh38, chr10:14,923,057, plus strand): 5'-CCATAGTTGTGCCAACTGGAATGACATTTGGATATGCGTTCACAGGACAGAGGTAGCTCA[A>T]GAAATCTTTAATCTAGAAAAAGGAAAATCACATGGATCAACAATCTCTACGATGAAACAG-3'
Protein context (NP_001029027.1, residues 319-339): HSSYSEIKDF[Leu329Met]SYLCPVNAYP